The following is an entry in ClinVar:

ClinVar aggregate classification (germline): Uncertain significance (1 of 4 stars; one submission).

Conditions:
Cardiovascular phenotype. Identifiers: MedGen CN230736.

Submission:

Ambry Genetics
Classification: Uncertain significance for Cardiovascular phenotype. Last evaluated: 2025-03-25. Review status: criteria provided, single submitter. Criteria: Ambry Variant Classification Scheme 2023. Collection method: clinical testing. Allele origin: germline.
Comment: The p.D357E variant (also known as c.1071C>A), located in coding exon 7 of the SPRED1 gene, results from a C to A substitution at nucleotide position 1071. The aspartic acid at codon 357 is replaced by glutamic acid, an amino acid with highly similar properties. This amino acid position is conserved. In addition, the in silico prediction for this alteration is inconclusive. Based on the available evidence, the clinical significance of this variant remains unclear.

NM_152594.3(SPRED1):c.1071C>A (p.Asp357Glu)

Gene: SPRED1 (sprouty related EVH1 domain containing 1; plus strand). Cytogenetic location: 15q14.
Variant type: single nucleotide variant.
Coding change: c.1071C>A on transcript NM_152594.3 (MANE Select); coding-DNA position 1071, C replaced by A.
Protein change: p.Asp357Glu; replaces aspartic acid 357 with glutamic acid.
Molecular consequence: missense variant.
Genome position (GRCh38, 1-based): chr15:38,351,400, C>A. VCF-style: chr15-38351400-C-A. GRCh37 (hg19) VCF-style: chr15-38643601-C-A.
Other names: short protein forms D357E.
Identifiers: ClinVar variation 3961366 (VCV003961366.1).